The following is an entry in ClinVar:

ClinVar aggregate classification (germline): Benign/Likely benign. Review status: criteria provided, multiple submitters, no conflicts (2 of 4 stars). 4 submissions from 4 submitters: Benign (2); Likely benign (2). Last evaluated 2026-07-01.

Conditions:
Inborn genetic diseases. Identifiers: MedGen C0950123, MeSH D030342.

Allele frequency attached by ClinVar (database versions not stated): 1000 Genomes Project 0.00140; 1000 Genomes Project 30x 0.00141; ESP Exome Variant Server 0.00169; gnomAD exomes 0.00081 and 0.00086; ExAC 0.00103; TOPMed 0.00116; gnomAD 0.00121 and 0.00124.
gnomAD v4.1: 1,427 of 1,606,286 alleles (0.089%); highest among the groups gnomAD compares: African/African-American, 0.24%; no homozygotes.

Submissions (4):

CeGaT Center for Human Genetics Tuebingen
Classification: Likely benign. Last evaluated: 2026-07-01. Review status: criteria provided, single submitter. Criteria: CeGaT Center For Human Genetics Tuebingen Variant Classification Criteria Version 2. Collection method: clinical testing. Allele origin: germline. Affected: yes. Observed: 4 variant alleles.
Comment: KAT6A: BP4, BP7, BS1

Labcorp Genetics (formerly Invitae), Labcorp
Classification: Benign. Last evaluated: 2025-12-23. Review status: criteria provided, single submitter. Criteria: Invitae Variant Classification Sherloc (09022015). Collection method: clinical testing. Allele origin: germline.

GeneDx
Classification: Benign. Last evaluated: 2019-12-27. Review status: criteria provided, single submitter. Criteria: GeneDx Variant Classification Process June 2021. Collection method: clinical testing. Allele origin: germline. Affected: yes.

Ambry Genetics
Classification: Likely benign for Inborn genetic diseases. Last evaluated: 2017-02-10. Review status: criteria provided, single submitter. Criteria: Ambry Variant Classification Scheme 2023. Collection method: clinical testing. Allele origin: germline.

NM_006766.5(KAT6A):c.5994C>T (p.Asn1998=)

Gene: KAT6A (lysine acetyltransferase 6A; minus strand). Cytogenetic location: 8p11.21.
Variant type: single nucleotide variant.
Coding change: c.5994C>T on transcript NM_006766.5 (MANE Select); coding-DNA position 5994, C replaced by T.
Protein change: p.Asn1998=; no amino-acid change (asparagine 1998 retained).
Molecular consequence: synonymous variant.
Genome position (GRCh38, 1-based): chr8:41,932,226, G>A on the plus strand (C>T on the coding strand, the complement: KAT6A is on the minus strand). VCF-style: chr8-41932226-G-A. GRCh37 (hg19) VCF-style: chr8-41789744-G-A.
Identifiers: ClinVar variation 588777 (VCV000588777.38), dbSNP rs117270099, ClinGen allele CA4729207.